The following is an entry in ClinVar:

ClinVar aggregate classification (germline): Conflicting classifications of pathogenicity. Review status: criteria provided, conflicting classifications (1 of 4 stars). 3 submissions from 3 submitters: Uncertain significance (1); Likely benign (2). Last evaluated 2025-06-28.

Conditions:
Inborn genetic diseases. Identifiers: MedGen C0950123, MeSH D030342.
Progressive sclerosing poliodystrophy (MTDPS4A). Also called: Alpers-Huttenlocher Syndrome (AHS); ALPERS PROGRESSIVE INFANTILE POLIODYSTROPHY; Mitochondrial DNA Depletion Syndrome 4A; Mitochondrial DNA depletion syndrome 4A (Alpers type); NEURONAL DEGENERATION OF CHILDHOOD WITH LIVER DISEASE, PROGRESSIVE; Alpers Syndrome. Identifiers: Orphanet 726, MedGen C0205710, MONDO:0008758, OMIM 203700.

Allele frequency attached by ClinVar (database versions not stated): gnomAD 0.00001; TOPMed 0.00001; gnomAD exomes 0.00003 and 0.00004; ExAC 0.00004.
gnomAD v4.1: 23 of 1,613,296 alleles (0.0014%); highest among the groups gnomAD compares: South Asian, 0.0099%; no homozygotes.

Submissions (3):

Labcorp Genetics (formerly Invitae), Labcorp
Classification: Likely benign for Progressive sclerosing poliodystrophy. Last evaluated: 2025-06-28. Review status: criteria provided, single submitter. Criteria: Invitae Variant Classification Sherloc (09022015). Collection method: clinical testing. Allele origin: germline.

Ambry Genetics
Classification: Uncertain significance for Inborn genetic diseases. Last evaluated: 2017-05-10. Review status: criteria provided, single submitter. Criteria: Ambry Variant Classification Scheme 2023. Collection method: clinical testing. Allele origin: germline.
Comment: The c.3274-4C>T intronic variant results from a C to T substitution 4 nucleotides upstream from coding exon 20 in the POLG gene. This nucleotide position is not well conserved in available vertebrate species. Using the BDGP and ESEfinder splice site prediction tools, this alteration is not predicted to have any significant effect on this splice acceptor site; however, direct evidence is unavailable. Since supporting evidence is limited at this time, the clinical significance of this alteration remains unclear.

GeneDx
Classification: Likely benign. Last evaluated: 2017-03-24. Review status: criteria provided, single submitter. Criteria: GeneDx Variant Classification (06012015). Collection method: clinical testing. Allele origin: germline. Affected: yes.
Comment: This variant is considered likely benign or benign based on one or more of the following criteria: it is a conservative change, it occurs at a poorly conserved position in the protein, it is predicted to be benign by multiple in silico algorithms, and/or has population frequency not consistent with disease.

NM_002693.3(POLG):c.3274-4C>T

Gene: POLG (DNA polymerase gamma, catalytic subunit; minus strand). Cytogenetic location: 15q26.1.
Variant type: single nucleotide variant.
Coding change: c.3274-4C>T on transcript NM_002693.3 (MANE Select); 4 bases into the intron before coding-DNA position 3274, C replaced by T.
Molecular consequence: intron variant.
Genome position (GRCh38, 1-based): chr15:89,318,753, G>A on the plus strand (C>T on the coding strand, the complement: POLG is on the minus strand). VCF-style: chr15-89318753-G-A. GRCh37 (hg19) VCF-style: chr15-89861984-G-A.
Other names: c.3274-4C>T (NM_001126131.2).
Identifiers: ClinVar variation 516497 (VCV000516497.15), dbSNP rs760343963, ClinGen allele CA7724173.
Genomic context (GRCh38, chr15:89,318,753, plus strand): 5'-GTGTAAGTAGTCAACAGCAGAGCTCTGTACCACCCAATTCACACGGCTGGTCATAAACTG[G>A]GAAGGGAAGGTGGGCAGAGGTGAAAGGGGCTATGCTACATACCAATTAACTCCAGGGTAG-3'